The following is an entry in ClinVar:

ClinVar aggregate classification (germline): Uncertain significance. Review status: criteria provided, single submitter (1 of 4 stars). 2 submissions from 2 submitters: Uncertain significance (1). 1 of the submissions does not count toward it. Last evaluated 2025-12-08.

Conditions:
Duchenne muscular dystrophy (DMD). Also called: MUSCULAR DYSTROPHY, PSEUDOHYPERTROPHIC PROGRESSIVE, DUCHENNE TYPE; Duchenne Muscular Dystrophy (DMD). Identifiers: Orphanet 98896, MedGen C0013264, MONDO:0010679, OMIM 310200.
Dystrophin deficiency.
Becker muscular dystrophy (BMD). Also called: MUSCULAR DYSTROPHY, PSEUDOHYPERTROPHIC PROGRESSIVE, BECKER TYPE; Becker Muscular Dystrophy (BMD). Identifiers: Orphanet 98895, MedGen C0917713, MONDO:0010311, OMIM 300376.
Cardiomyopathy (CMYO). Also called: Cardiomyopathies. Identifiers: Orphanet 167848, MedGen C0878544, MONDO:0004994, HP:0001638. Inheritance: Various modes of inheritance.

Allele frequency attached by ClinVar (database versions not stated): TOPMed below 0.00001; gnomAD 0.00002.
gnomAD v4.1: 2 of 1,209,092 alleles (0.00017%); highest among the groups gnomAD compares: African/African-American, 0.0035%; no homozygotes.

Submissions (2):

Labcorp Genetics (formerly Invitae), Labcorp
Classification: Uncertain significance for Duchenne muscular dystrophy. Last evaluated: 2025-12-08. Review status: criteria provided, single submitter. Criteria: Invitae Variant Classification Sherloc (09022015). Collection method: clinical testing. Allele origin: germline.
Comment: This sequence change replaces glutamine, which is neutral and polar, with lysine, which is basic and polar, at codon 2080 of the DMD protein (p.Gln2080Lys). This variant is present in population databases (no rsID available, gnomAD 0.02%). This variant has not been reported in the literature in individuals affected with DMD-related conditions. ClinVar contains an entry for this variant (Variation ID: 1007740). Invitae Evidence Modeling of protein sequence and biophysical properties (such as structural, functional, and spatial information, amino acid conservation, physicochemical variation, residue mobility, and thermodynamic stability) indicates that this missense variant is not expected to disrupt DMD protein function with a negative predictive value of 95%. In summary, the available evidence is currently insufficient to determine the role of this variant in disease. Therefore, it has been classified as a Variant of Uncertain Significance.

Natera, Inc.
Classification: Uncertain significance for Becker muscular dystrophy; Cardiomyopathy; Duchenne muscular dystrophy; Dystrophin deficiency. Last evaluated: 2018-11-06. Review status: no assertion criteria provided. Collection method: clinical testing. Allele origin: germline. Not counted in ClinVar's aggregate classification.

NM_004006.3(DMD):c.6238C>A (p.Gln2080Lys)

Gene: DMD (dystrophin; minus strand). Cytogenetic location: Xp21.1.
Variant type: single nucleotide variant.
Coding change: c.6238C>A on transcript NM_004006.3 (MANE Select); coding-DNA position 6238, C replaced by A.
Protein change: p.Gln2080Lys; replaces glutamine 2080 with lysine.
Molecular consequence: missense variant.
Genome position (GRCh38, 1-based): chrX:32,287,581, G>T on the plus strand (C>A on the coding strand, the complement: DMD is on the minus strand). VCF-style: chrX-32287581-G-T. GRCh37 (hg19) VCF-style: chrX-32305698-G-T.
Other names: c.6214C>A, p.Gln2072Lys (NM_000109.4); c.6226C>A, p.Gln2076Lys (NM_004009.3); c.5869C>A, p.Gln1957Lys (NM_004010.3); c.2215C>A, p.Gln739Lys (NM_004011.4); c.2206C>A, p.Gln736Lys (NM_004012.4); short protein forms Q1957K, Q2072K, Q2076K, Q2080K, Q736K, Q739K.
Identifiers: ClinVar variation 1007740 (VCV001007740.6), dbSNP rs1340785309, ClinGen allele CA412665887.